The following is an entry in ClinVar:

ClinVar aggregate classification (germline): Pathogenic (1 of 4 stars; one submission).

Conditions:
Arrhythmogenic right ventricular dysplasia 8 (ARVD8). Also called: ARRHYTHMOGENIC RIGHT VENTRICULAR DYSPLASIA, FAMILIAL, 8; ARRHYTHMOGENIC RIGHT VENTRICULAR CARDIOMYOPATHY 8; Arrhythmogenic Right Ventricular Dysplasia/Cardiomyopathy 8. Identifiers: MedGen C1843896, MONDO:0011831, OMIM 607450.
Arrhythmogenic cardiomyopathy with wooly hair and keratoderma. Also called: Dilated cardiomyopathy with woolly hair and keratoderma; PALMOPLANTAR KERATODERMA WITH LEFT VENTRICULAR CARDIOMYOPATHY AND WOOLLY HAIR; Carvajal syndrome; Arrhythmogenic cardiomyopathy with woolly hair and keratoderma. Identifiers: Orphanet 65282, MedGen C1854063, MONDO:0011581, OMIM 605676.

Submission:

Labcorp Genetics (formerly Invitae), Labcorp
Classification: Pathogenic for Arrhythmogenic cardiomyopathy with wooly hair and keratoderma; Arrhythmogenic right ventricular dysplasia 8. Last evaluated: 2019-08-15. Review status: criteria provided, single submitter. Criteria: Invitae Variant Classification Sherloc (09022015). Collection method: clinical testing. Allele origin: germline.
Comment: For these reasons, this variant has been classified as Pathogenic. Loss-of-function variants in DSP are known to be pathogenic (PMID: 20716751, 24503780, 25227139). This variant has not been reported in the literature in individuals with DSP-related conditions. This variant is not present in population databases (ExAC no frequency). This sequence change creates a premature translational stop signal (p.Ser1659*) in the DSP gene. It is expected to result in an absent or disrupted protein product.

Literature cited by the submitters: PubMed 20716751; PubMed 24503780; PubMed 25227139.

NM_004415.4(DSP):c.4974_4975del (p.Ser1658_Ser1659insTer)

Gene: DSP (desmoplakin; plus strand). Cytogenetic location: 6p24.3.
Variant type: Deletion.
Coding change: c.4974_4975del on transcript NM_004415.4 (MANE Select); coding-DNA positions 4974 to 4975, 2 bases deleted (TT; older notation c.4974_4975delTT).
Protein change: p.Ser1658_Ser1659insTer.
Molecular consequence: frameshift variant. On other transcripts: intron variant (2).
Genome position (GRCh38, 1-based): chr6:7,581,164-7,581,165, TT deleted. VCF-style (leftmost placement, unchanged base first): chr6-7581163-CTT-C. GRCh37 (hg19) VCF-style: chr6-7581396-CTT-C.
Other names: c.4050+924_4050+925del (NM_001319034.2); c.3582+1392_3582+1393del (NM_001008844.3).
Identifiers: ClinVar variation 961084 (VCV000961084.8), dbSNP rs1759426108, ClinGen allele CA1139659414.